The following is an entry in ClinVar:

ClinVar aggregate classification (germline): Uncertain significance (1 of 4 stars; one submission).

Submission:

Labcorp Genetics (formerly Invitae), Labcorp
Classification: Uncertain significance. Last evaluated: 2022-06-24. Review status: criteria provided, single submitter. Criteria: Invitae Variant Classification Sherloc (09022015). Collection method: clinical testing. Allele origin: germline.
Comment: This sequence change replaces threonine, which is neutral and polar, with serine, which is neutral and polar, at codon 230 of the IRF2BP2 protein (p.Thr230Ser). In summary, the available evidence is currently insufficient to determine the role of this variant in disease. Therefore, it has been classified as a Variant of Uncertain Significance. Algorithms developed to predict the effect of missense changes on protein structure and function output the following: SIFT: "Tolerated"; PolyPhen-2: "Benign"; Align-GVGD: "Class C0". The serine amino acid residue is found in multiple mammalian species, which suggests that this missense change does not adversely affect protein function. This variant has not been reported in the literature in individuals affected with IRF2BP2-related conditions. This variant is not present in population databases (gnomAD no frequency).

NM_182972.3(IRF2BP2):c.688A>T (p.Thr230Ser)

Genes: IRF2BP2 (interferon regulatory factor 2 binding protein 2; minus strand), LOC129932811 (ATAC-STARR-seq lymphoblastoid silent region 1976; plus strand). Cytogenetic location: 1q42.3.
Variant type: single nucleotide variant.
Coding change: c.688A>T on transcript NM_182972.3 (MANE Select); coding-DNA position 688, A replaced by T.
Protein change: p.Thr230Ser; replaces threonine 230 with serine.
Molecular consequence: missense variant.
Genome position (GRCh38, 1-based): chr1:234,608,807, T>A on the plus strand (A>T on the coding strand, the complement: IRF2BP2 is on the minus strand). VCF-style: chr1-234608807-T-A. GRCh37 (hg19) VCF-style: chr1-234744553-T-A.
Other names: c.688A>T, p.Thr230Ser (NM_001077397.1); short protein forms T230S.
Identifiers: ClinVar variation 2010194 (VCV002010194.4), dbSNP rs1363709762, ClinGen allele CA345308963.